The following is an entry in ClinVar:

ClinVar aggregate classification (germline): Pathogenic (1 of 4 stars; one submission).

Conditions:
Waardenburg syndrome type 4C (WS4C). Also called: WAARDENBURG SYNDROME WITH HIRSCHSPRUNG DISEASE, TYPE 4C. Identifiers: Orphanet 897, MedGen C2750452, MONDO:0013202, OMIM 613266.

Submission:

Institute of Rare Diseases, West China Hospital, Sichuan University
Classification: Pathogenic for Waardenburg syndrome type 4C. Last evaluated: 2025-01-09. Review status: criteria provided, single submitter. Criteria: ClinGen HL ACMG Specifications v1. Collection method: research. Allele origin: germline. Affected: yes.
Comment: PM1;PVS1;PM2_Supporting;PS1

NM_006941.4(SOX10):c.1206C>A (p.Tyr402Ter)

Genes: POLR2F (RNA polymerase II, I and III subunit F; plus strand), SOX10 (SRY-box transcription factor 10; minus strand). Cytogenetic location: 22q13.1.
Variant type: single nucleotide variant.
Coding change: c.1206C>A on transcript NM_006941.4 (MANE Select); coding-DNA position 1206, C replaced by A.
Protein change: p.Tyr402Ter; replaces tyrosine 402 with a stop codon.
Molecular consequence: nonsense. On other transcripts: intron variant (3).
Genome position (GRCh38, 1-based): chr22:37,973,690, G>T on the plus strand (C>A on the coding strand, the complement: SOX10 is on the minus strand). VCF-style: chr22-37973690-G-T. GRCh37 (hg19) VCF-style: chr22-38369697-G-T.
Other names: c.*38+1380G>T (NM_001363825.1); c.293+6520G>T (NM_001301130.2, NM_001301131.2); short protein forms Y402*.
Identifiers: ClinVar variation 3601805 (VCV003601805.1).
Genomic context (GRCh38, chr22:37,973,690, plus strand): 5'-GTAGAGGCCAGAGGCCTGGCCCGAGTGGCCATAATAGGGTCCTGAGGGCTGATGGTCAGA[G>T]TAGTCAAACTGGGGGCGGGAGATGGAGGGGAAGGCTGAGCCATAGTGGGGCAGGCTGAGG-3'